The following is an entry in ClinVar:

ClinVar aggregate classification (germline): Uncertain significance. Review status: criteria provided, multiple submitters, no conflicts (2 of 4 stars). 2 submissions from 2 submitters: Uncertain significance (2). Last evaluated 2026-06-13.

Conditions:
Hereditary cancer-predisposing syndrome. Also called: Hereditary neoplastic syndrome; Tumor predisposition; Hereditary Cancer Syndrome; Neoplastic Syndromes, Hereditary. Identifiers: Orphanet 140162, MedGen C0027672, MeSH D009386, MONDO:0015356.
Tuberous sclerosis 2 (TSC2). Identifiers: Orphanet 805, MedGen C1860707, MONDO:0013199, OMIM 613254.

Submissions (2):

Ambry Genetics
Classification: Uncertain significance for Hereditary cancer-predisposing syndrome. Last evaluated: 2026-06-13. Review status: criteria provided, single submitter. Criteria: Ambry Variant Classification Scheme 2023. Collection method: clinical testing. Allele origin: germline.
Comment: The p.P928S variant (also known as c.2782C>T), located in coding exon 24 of the TSC2 gene, results from a C to T substitution at nucleotide position 2782. The proline at codon 928 is replaced by serine, an amino acid with similar properties. This amino acid position is conserved. In addition, the in silico prediction for this alteration is inconclusive. Based on the available evidence, the clinical significance of this variant remains unclear.

Labcorp Genetics (formerly Invitae), Labcorp
Classification: Uncertain significance for Tuberous sclerosis 2. Last evaluated: 2024-05-06. Review status: criteria provided, single submitter. Criteria: Invitae Variant Classification Sherloc (09022015). Collection method: clinical testing. Allele origin: germline.
Comment: This sequence change replaces proline, which is neutral and non-polar, with serine, which is neutral and polar, at codon 928 of the TSC2 protein (p.Pro928Ser). This variant is not present in population databases (gnomAD no frequency). This variant has not been reported in the literature in individuals affected with TSC2-related conditions. Advanced modeling of protein sequence and biophysical properties (such as structural, functional, and spatial information, amino acid conservation, physicochemical variation, residue mobility, and thermodynamic stability) performed at Invitae indicates that this missense variant is not expected to disrupt TSC2 protein function with a negative predictive value of 95%. In summary, the available evidence is currently insufficient to determine the role of this variant in disease. Therefore, it has been classified as a Variant of Uncertain Significance.

NM_000548.5(TSC2):c.2782C>T (p.Pro928Ser)

Gene: TSC2 (TSC complex subunit 2; plus strand). Cytogenetic location: 16p13.3.
Variant type: single nucleotide variant.
Coding change: c.2782C>T on transcript NM_000548.5 (MANE Select); coding-DNA position 2782, C replaced by T.
Protein change: p.Pro928Ser; replaces proline 928 with serine.
Molecular consequence: missense variant. On other transcripts: non-coding transcript variant (5).
Genome position (GRCh38, 1-based): chr16:2,076,530, C>T. VCF-style: chr16-2076530-C-T. GRCh37 (hg19) VCF-style: chr16-2126531-C-T.
Other names: c.2725C>T, p.Pro909Ser (NM_001406677.1); c.2671C>T, p.Pro891Ser (NM_001406678.1, NM_001406670.1, NM_001318827.2); c.2635C>T, p.Pro879Ser (NM_001406679.1, NM_001406675.1, NM_001406676.1 and 1 more transcripts); c.2182C>T, p.Pro728Ser (NM_001406680.1, NM_001406682.1, NM_001406683.1 and 6 more transcripts); c.2320C>T, p.Pro774Ser (NM_001406681.1); c.1438C>T, p.Pro480Ser (NM_001406696.1, NM_001406697.1, NM_001406689.1 and 6 more transcripts); c.1180C>T, p.Pro394Ser (NM_001406698.1); c.2782C>T, p.Pro928Ser (NM_021055.3, NM_001406663.1, NM_001406664.1 and 6 more transcripts); and 3 more; short protein forms P394S, P728S, P924S, P939S, P909S, P958S, P480S, P774S.
Identifiers: ClinVar variation 3637209 (VCV003637209.3).